The following is an entry in ClinVar:

ClinVar aggregate classification (germline): Uncertain significance (1 of 4 stars; one submission).

Conditions:
Pancreatic adenocarcinoma. Identifiers: MedGen C0281361, MONDO:0006047, HP:0006725.

Submission:

Labcorp Genetics (formerly Invitae), Labcorp
Classification: Uncertain significance for Pancreatic adenocarcinoma. Last evaluated: 2024-02-17. Review status: criteria provided, single submitter. Criteria: Invitae Variant Classification Sherloc (09022015). Collection method: clinical testing. Allele origin: germline.
Comment: This sequence change creates a premature translational stop signal (p.Asp412Thrfs*22) in the PALLD gene. It is expected to result in an absent or disrupted protein product. However, the current clinical and genetic evidence is not sufficient to establish whether loss-of-function variants in PALLD cause disease. This variant is not present in population databases (gnomAD no frequency). This variant has not been reported in the literature in individuals affected with PALLD-related conditions. In summary, the available evidence is currently insufficient to determine the role of this variant in disease. Therefore, it has been classified as a Variant of Uncertain Significance.

NM_001166108.2(PALLD):c.2745del (p.Asp916fs)

Genes: CBR4 (carbonyl reductase 4; minus strand), PALLD (palladin, cytoskeletal associated protein; plus strand). Cytogenetic location: 4q32.3.
Variant type: Deletion.
Coding change: c.2745del on transcript NM_001166108.2 (MANE Select); coding-DNA position 2745, one base deleted (A; older notation c.2745delA).
Protein change: p.Asp916fs; shifts the reading frame from aspartic acid 916.
Molecular consequence: frameshift variant.
Genome position (GRCh38, 1-based): chr4:168,915,922, A deleted. VCF-style (leftmost placement, unchanged base first): chr4-168915921-GA-G. GRCh37 (hg19) VCF-style: chr4-169837072-GA-G.
Other names: c.1548del, p.Asp517fs (NM_001166109.2); c.1233del, p.Asp412fs (NM_001166110.2); c.573del, p.Asp192fs (NM_001367567.1, NM_001367569.1); c.624del, p.Asp209fs (NM_001367568.1, NM_001367570.1); c.2694del, p.Asp899fs (NM_016081.4); short protein forms D192fs, D517fs, D899fs, D412fs, D916fs, D209fs.
Identifiers: ClinVar variation 3641639 (VCV003641639.2).